The following is an entry in ClinVar:

ClinVar aggregate classification (germline): Uncertain significance. Review status: criteria provided, multiple submitters, no conflicts (2 of 4 stars). 3 submissions from 3 submitters: Uncertain significance (3). Last evaluated 2025-11-03.

Conditions:
Aplastic anemia. Identifiers: Orphanet 182040, Orphanet 88, MedGen C0002874, MONDO:0015909, OMIM 609135, HP:0001915.
Microcephaly, normal intelligence and immunodeficiency (NBS). Also called: IMMUNODEFICIENCY, MICROCEPHALY, AND CHROMOSOMAL INSTABILITY; SEEMANOVA SYNDROME II; Nijmegen breakage syndrome; Microcephaly with normal intelligence immunodeficiency and lymphoreticular malignancies; Nonsyndromal microcephaly autosomal recessive with normal intelligence; Seemanova syndrome 2. Identifiers: Orphanet 647, MedGen C0398791, MONDO:0009623, OMIM 251260.
Hereditary cancer-predisposing syndrome. Also called: Neoplastic Syndromes, Hereditary; Tumor predisposition; Hereditary neoplastic syndrome; Hereditary Cancer Syndrome. Identifiers: Orphanet 140162, MedGen C0027672, MeSH D009386, MONDO:0015356.

Allele frequency attached by ClinVar (database versions not stated): ExAC 0.00001.

Submissions (3):

Labcorp Genetics (formerly Invitae), Labcorp
Classification: Uncertain significance for Microcephaly, normal intelligence and immunodeficiency. Last evaluated: 2025-11-03. Review status: criteria provided, single submitter. Criteria: Invitae Variant Classification Sherloc (09022015). Collection method: clinical testing. Allele origin: germline.
Comment: This sequence change affects codon 299 of the NBN mRNA. It is a 'silent' change, meaning that it does not change the encoded amino acid sequence of the NBN protein. RNA analysis indicates that this variant induces altered splicing and may result in an absent or altered protein product. This variant is present in population databases (rs754113612, gnomAD 0.003%). This variant has not been reported in the literature in individuals affected with NBN-related conditions. ClinVar contains an entry for this variant (Variation ID: 1765281). An algorithm developed to predict the effect of missense changes on protein structure and function (PolyPhen-2) suggests that this variant is likely to be tolerated. Variants that disrupt the consensus splice site are a relatively common cause of aberrant splicing (PMID: 17576681, 9536098). Studies have shown that this variant results in skipping of exon 7, and produces a non-functional protein and/or introduces a premature termination codon (internal data). In summary, the available evidence is currently insufficient to determine the role of this variant in disease. Therefore, it has been classified as a Variant of Uncertain Significance.

Baylor Genetics
Classification: Uncertain significance for Aplastic anemia. Last evaluated: 2022-12-28. Review status: criteria provided, single submitter. Criteria: ACMG Guidelines, 2015. Collection method: clinical testing. Allele origin: unknown.

Ambry Genetics
Classification: Uncertain significance for Hereditary cancer-predisposing syndrome. Last evaluated: 2022-07-26. Review status: criteria provided, single submitter. Criteria: Ambry Variant Classification Scheme 2023. Collection method: clinical testing. Allele origin: germline.
Comment: The p.R299K variant (also known as c.896G>A), located in coding exon 7 of the NBN gene, results from a G to A substitution at nucleotide position 896. The arginine at codon 299 is replaced by lysine, an amino acid with highly similar properties. However, this change occurs in the last base pair of coding exon 7, which makes it likely to have some effect on normal mRNA splicing. This nucleotide position is highly conserved in available vertebrate species. In silico splice site analysis predicts that this alteration will weaken the native splice donor site. This amino acid position is well conserved in available vertebrate species. In addition, as a missense substitution this is predicted to be tolerated by in silico analysis. Since supporting evidence is limited at this time, the clinical significance of this alteration remains unclear.

Literature cited by the submitters: PubMed 17576681 (cited by Labcorp Genetics (formerly Invitae), Labcorp); PubMed 9536098 (cited by Labcorp Genetics (formerly Invitae), Labcorp).

NM_002485.5(NBN):c.896G>A (p.Arg299Lys)

Gene: NBN (nibrin; minus strand). Cytogenetic location: 8q21.3.
Variant type: single nucleotide variant.
Coding change: c.896G>A on transcript NM_002485.5 (MANE Select); coding-DNA position 896, G replaced by A.
Protein change: p.Arg299Lys; replaces arginine 299 with lysine.
Molecular consequence: missense variant.
Genome position (GRCh38, 1-based): chr8:89,970,364, C>T on the plus strand (G>A on the coding strand, the complement: NBN is on the minus strand). VCF-style: chr8-89970364-C-T. GRCh37 (hg19) VCF-style: chr8-90982592-C-T.
Other names: c.650G>A, p.Arg217Lys (NM_001024688.3); short protein forms R217K, R299K.
Identifiers: ClinVar variation 1765281 (VCV001765281.4), dbSNP rs754113612, ClinGen allele CA4802877.